The following is an entry in ClinVar:

NM_001845.6(COL4A1):c.552+17T>A

Gene: COL4A1 (collagen type IV alpha 1 chain; minus strand). Cytogenetic location: 13q34.
Variant type: single nucleotide variant.
Coding change: c.552+17T>A on transcript NM_001845.6 (MANE Select); 17 bases into the intron after coding-DNA position 552, T replaced by A.
Molecular consequence: intron variant.
Genome position (GRCh38, 1-based): chr13:110,210,112, A>T on the plus strand (T>A on the coding strand, the complement: COL4A1 is on the minus strand). VCF-style: chr13-110210112-A-T. GRCh37 (hg19) VCF-style: chr13-110862459-A-T.
Other names: c.552+17T>A (NM_001303110.2).
Identifiers: ClinVar variation 2637864 (VCV002637864.1), dbSNP rs377388050, ClinGen allele CA7048462.

ClinVar aggregate classification (germline): Likely benign (1 of 4 stars; one submission).

Allele frequency attached by ClinVar (database versions not stated): ExAC 0.00001; gnomAD 0.00001; TOPMed 0.00001; ESP Exome Variant Server 0.00008.
gnomAD v4.1: 4 of 1,613,922 alleles (0.00025%); highest among the groups gnomAD compares: African/African-American, 0.004%; no homozygotes.

Submission:

Women's Health and Genetics/Laboratory Corporation of America, LabCorp
Classification: Likely benign. Last evaluated: 2023-10-23. Review status: criteria provided, single submitter. Criteria: LabCorp Variant Classification Summary - May 2015. Collection method: clinical testing. Allele origin: germline.
Comment: Variant summary: COL4A1 c.552+17T>A alters a non-conserved nucleotide located at a position not widely known to affect splicing. Consensus agreement among computation tools predict no significant impact on normal splicing. However, these predictions have yet to be confirmed by functional studies. The variant allele was found at a frequency of 8e-06 in 251276 control chromosomes. The available data on variant occurrences in the general population are insufficient to allow any conclusion about variant significance. To our knowledge, no occurrence of c.552+17T>A in individuals affected with Porencephaly 1 and no experimental evidence demonstrating its impact on protein function have been reported. No submitters have cited clinical-significance assessments for this variant to ClinVar after 2014. Based on the evidence outlined above, the variant was classified as likely benign.